The following is an entry in ClinVar:

ClinVar aggregate classification (germline): Likely pathogenic. Review status: criteria provided, multiple submitters, no conflicts (2 of 4 stars). 5 submissions from 5 submitters: Likely pathogenic (5). Last evaluated 2025-08-20.

Conditions:
Hereditary cancer-predisposing syndrome. Also called: Neoplastic Syndromes, Hereditary; Tumor predisposition; Hereditary Cancer Syndrome; Hereditary neoplastic syndrome. Identifiers: Orphanet 140162, MedGen C0027672, MeSH D009386, MONDO:0015356.
Hereditary pheochromocytoma and paraganglioma. Also called: Hereditary pheochromocytoma-paraganglioma; Hereditary Paraganglioma-Pheochromocytoma Syndromes; Hereditary paragangliomas and pheochromocytomas. Identifiers: Orphanet 29072, MedGen C4274332, MONDO:0017366.
Carney-Stratakis syndrome. Also called: PARAGANGLIOMA AND GASTROINTESTINAL STROMAL TUMOR. Identifiers: Orphanet 97286, MedGen C1847319, MONDO:0011740, OMIM 606864.
Pheochromocytoma/paraganglioma syndrome 4. Also called: CAROTID BODY TUMORS AND MULTIPLE EXTRAADRENAL PHEOCHROMOCYTOMAS; SDHB-Related Hereditary Paraganglioma-Pheochromocytoma Syndrome (Paragangliomas 4); SDHB-Related Hereditary Paraganglioma-Pheochromocytoma Syndrome; PARAGANGLIOMA, FAMILIAL MALIGNANT; PARAGANGLIOMAS, HEREDITARY EXTRAADRENAL; PHEOCHROMOCYTOMA, FAMILIAL EXTRAADRENAL. Identifiers: Orphanet 29072, MedGen C1861848, MONDO:0007273, OMIM 115310.
Gastrointestinal stromal tumor. Also called: Gastrointestinal stromal tumor, somatic; Gastrointestinal stroma tumor. Identifiers: Orphanet 44890, MedGen C0238198, MeSH D046152, MONDO:0011719, OMIM 606764, HP:0100723.
Mitochondrial complex 2 deficiency, nuclear type 4. Also called: MITOCHONDRIAL COMPLEX II DEFICIENCY, NUCLEAR TYPE 4. Identifiers: MedGen C5543176, MONDO:0030974, OMIM 619224.
Pheochromocytoma. Also called: MAX-Related Hereditary Paraganglioma-Pheochromocytoma Syndrome. Identifiers: Orphanet 29072, MedGen C0031511, MONDO:0008233, OMIM 171300, HP:0002666.

Allele frequency attached by ClinVar (database versions not stated): gnomAD exomes below 0.00001.
gnomAD v4.1: 1 of 1,613,982 alleles (0.000062%); highest among the groups gnomAD compares: Non-Finnish European, 0.000085%; no homozygotes.

Submissions (5):

Labcorp Genetics (formerly Invitae), Labcorp
Classification: Likely pathogenic for Gastrointestinal stromal tumor; Pheochromocytoma/paraganglioma syndrome 4; Pheochromocytoma. Last evaluated: 2025-08-20. Review status: criteria provided, single submitter. Criteria: Invitae Variant Classification Sherloc (09022015). Collection method: clinical testing. Allele origin: germline.
Comment: This sequence change replaces proline, which is neutral and non-polar, with serine, which is neutral and polar, at codon 197 of the SDHB protein (p.Pro197Ser). This variant is not present in population databases (gnomAD no frequency). This missense change has been observed in individual(s) with clinical features of SDHB-related conditions and/or paraganglioma (PMID: 17848412, 19454582, 20208144, 34906457). ClinVar contains an entry for this variant (Variation ID: 845283). Invitae Evidence Modeling of protein sequence and biophysical properties (such as structural, functional, and spatial information, amino acid conservation, physicochemical variation, residue mobility, and thermodynamic stability) indicates that this missense variant is expected to disrupt SDHB protein function with a positive predictive value of 80%. This variant disrupts the p.Pro197 amino acid residue in SDHB. Other variant(s) that disrupt this residue have been determined to be pathogenic (PMID: 11404820, 14974914, 18419787, 25047027, 27542510). This suggests that this residue is clinically significant, and that variants that disrupt this residue are likely to be disease-causing. In summary, the currently available evidence indicates that the variant is pathogenic, but additional data are needed to prove that conclusively. Therefore, this variant has been classified as Likely Pathogenic.

Variantyx, Inc.
Classification: Likely pathogenic for Pheochromocytoma/paraganglioma syndrome 4. Last evaluated: 2025-08-18. Review status: criteria provided, single submitter. Criteria: Variantyx Assertion Criteria 2022. Collection method: clinical testing. Allele origin: germline. Inheritance: Autosomal dominant inheritance. Affected: yes.
Comment: This is a nonsynonymous variant in the SDHB gene (OMIM: 185470). Pathogenic variants in this gene have been associated with autosomal dominant pheochromocytoma/paraganglioma syndrome 4. This variant has been reported in at least 4 unrelated affected individual(s) (PMID: 17848412, 20208144, 19454582) (PS4). It lies within a known hotspot for pathogenic variants or a well-established critical functional domain of the SDHB protein (PMID: 34906457) (PM1). Multiple computational algorithms predict a deleterious effect for this variant (REVEL score: 0.981) (PP3). This variant has a 0.0003% maximum allele frequency in non-founder control populations (PM2). Based on the current evidence, this variant is classified as likely pathogenic for autosomal dominant pheochromocytoma/paraganglioma syndrome 4.

Ambry Genetics
Classification: Likely pathogenic for Hereditary cancer-predisposing syndrome. Last evaluated: 2025-08-14. Review status: criteria provided, single submitter. Criteria: Ambry Variant Classification Scheme 2023. Collection method: clinical testing. Allele origin: germline.
Comment: The p.P197S variant (also known as c.589C>T), located in coding exon 6 of the SDHB gene, results from a C to T substitution at nucleotide position 589. The proline at codon 197 is replaced by serine, an amino acid with similar properties. This variant was reported in individual(s) with features consistent with SDHB-related hereditary pheochromocytoma-paraganglioma (Lima J et al. J Clin Endocrinol Metab, 2007 Dec;92:4853-64; Burnichon N et al. J Clin Endocrinol Metab, 2009 Aug;94:2817-27; Sevilla MA et al. Otolaryngol Head Neck Surg, 2009 May;140:724-9; Hermsen, MA et al. Cell Oncol 2010 Jan;32(4):275-83). Based on internal structural analysis, P197S is deleterious and is more destabilizing than a known pathogenic variant at the same position (Inaoka DK et al. Int J Mol Sci 2015 Jul;16(7):15287-308). This variant is considered to be rare based on population cohorts in the Genome Aggregation Database (gnomAD). This amino acid position is highly conserved in available vertebrate species. In addition, this alteration is predicted to be deleterious by in silico analysis. Based on the majority of available evidence to date, this variant is likely to be pathogenic.

All of Us Research Program, National Institutes of Health
Classification: Likely pathogenic for Hereditary pheochromocytoma and paraganglioma. Last evaluated: 2024-09-12. Review status: criteria provided, single submitter. Criteria: ACMG Guidelines, 2015. Collection method: clinical testing. Allele origin: germline. Inheritance: Autosomal dominant inheritance. Observed: 1 variant allele, 1 heterozygote.
Comment: The c.589C>T variant in the SDHB gene is located on the exon 6 and is predicted to replace proline with serine at codon 197 (p.Pro197Ser). This variant has been reported in individuals with paragangliomas (PMID: 20208144, 22517557, 19393419, 17848412). An alternative variant disrupting the same amino acid (p.Pro197Arg) has been interpreted as pathogenic (ClinVar ID: 12779). The variant is located in the functionally important domain (amino acids 177-260) of the succinate dehydrogenase enzyme (PMID: 34906457). Computational prediction algorithms suggest a deleterious impact for this variant (REVEL score 0.98). This variant has been reported in ClinVar (ID: 845283). This variant is rare (1/1613982 chromosomes) in the general population database , gnomAD. Therefore, this variant is classified as likely pathogenic.

This study involves interpretation of variants in research participants for the purpose of population health screening. Participant phenotype was not available at the time of variant classification. Additional details can be found in publication PMID: 35346344, PMCID: PMC8962531

Fulgent Genetics
Classification: Likely pathogenic for Pheochromocytoma/paraganglioma syndrome 4; Gastrointestinal stromal tumor; Carney-Stratakis syndrome; Mitochondrial complex 2 deficiency, nuclear type 4. Last evaluated: 2024-01-06. Review status: criteria provided, single submitter. Criteria: ACMG Guidelines, 2015. Collection method: clinical testing. Allele origin: germline.

Literature cited by the submitters: PubMed 17848412 (cited by 4 submitters); PubMed 19454582 (cited by 3 submitters); PubMed 20208144 (cited by 4 submitters); PubMed 34906457 (cited by 3 submitters); PubMed 11404820 (cited by Labcorp Genetics (formerly Invitae), Labcorp); PubMed 14974914 (cited by Labcorp Genetics (formerly Invitae), Labcorp); PubMed 18419787 (cited by Labcorp Genetics (formerly Invitae), Labcorp); PubMed 25047027 (cited by Labcorp Genetics (formerly Invitae), Labcorp); PubMed 27542510 (cited by Labcorp Genetics (formerly Invitae), Labcorp); PubMed 19393419 (cited by Ambry Genetics and All of Us Research Program, National Institutes of Health); PubMed 26198225 (cited by Ambry Genetics); PubMed 22517557 (cited by All of Us Research Program, National Institutes of Health).

NM_003000.3(SDHB):c.589C>T (p.Pro197Ser)

Gene: SDHB (succinate dehydrogenase complex iron sulfur subunit B; minus strand). Cytogenetic location: 1p36.13.
Variant type: single nucleotide variant.
Coding change: c.589C>T on transcript NM_003000.3 (MANE Select); coding-DNA position 589, C replaced by T.
Protein change: p.Pro197Ser; replaces proline 197 with serine.
Molecular consequence: missense variant.
Genome position (GRCh38, 1-based): chr1:17,024,026, G>A on the plus strand (C>T on the coding strand, the complement: SDHB is on the minus strand). VCF-style: chr1-17024026-G-A. GRCh37 (hg19) VCF-style: chr1-17350521-G-A.
Other names: short protein forms P197S.
Identifiers: ClinVar variation 845283 (VCV000845283.13), dbSNP rs2077978300, ClinGen allele CA338271129.